The following is an entry in ClinVar:

ClinVar aggregate classification (germline): Uncertain significance. Review status: criteria provided, multiple submitters, no conflicts (2 of 4 stars). 2 submissions from 2 submitters: Uncertain significance (2). Last evaluated 2023-04-16.

Allele frequency attached by ClinVar (database versions not stated): ExAC 0.00001; gnomAD 0.00001; gnomAD exomes 0.00001; TOPMed 0.00002.
gnomAD v4.1: 9 of 1,613,500 alleles (0.00056%); highest among the groups gnomAD compares: Admixed American, 0.0017%; no homozygotes.

Submissions (2):

Labcorp Genetics (formerly Invitae), Labcorp
Classification: Uncertain significance. Last evaluated: 2023-04-16. Review status: criteria provided, single submitter. Criteria: Invitae Variant Classification Sherloc (09022015). Collection method: clinical testing. Allele origin: germline.
Comment: In summary, the available evidence is currently insufficient to determine the role of this variant in disease. Therefore, it has been classified as a Variant of Uncertain Significance. An algorithm developed to predict the effect of missense changes on protein structure and function (PolyPhen-2) suggests that this variant¬† is likely to be tolerated. ClinVar contains an entry for this variant (Variation ID: 1060307). This variant has not been reported in the literature in individuals affected with ATR-related conditions. This variant is present in population databases (rs756650966, gnomAD 0.003%). This sequence change replaces arginine, which is basic and polar, with glutamine, which is neutral and polar, at codon 2001 of the ATR protein (p.Arg2001Gln).

Revvity Omics, Revvity
Classification: Uncertain significance. Last evaluated: 2019-10-03. Review status: criteria provided, single submitter. Criteria: ACMG Guidelines, 2015. Collection method: clinical testing. Allele origin: germline.

NM_001184.4(ATR):c.6002G>A (p.Arg2001Gln)

Gene: ATR (ATR checkpoint kinase; minus strand). Cytogenetic location: 3q23.
Variant type: single nucleotide variant.
Coding change: c.6002G>A on transcript NM_001184.4 (MANE Select); coding-DNA position 6002, G replaced by A.
Protein change: p.Arg2001Gln; replaces arginine 2001 with glutamine.
Molecular consequence: missense variant.
Genome position (GRCh38, 1-based): chr3:142,493,208, C>T on the plus strand (G>A on the coding strand, the complement: ATR is on the minus strand). VCF-style: chr3-142493208-C-T. GRCh37 (hg19) VCF-style: chr3-142212050-C-T.
Other names: c.6002G>A (NM_001184.3); c.5810G>A, p.Arg1937Gln (NM_001354579.2); short protein forms R1937Q, R2001Q.
Identifiers: ClinVar variation 1060307 (VCV001060307.9), dbSNP rs756650966, ClinGen allele CA2649439.